The following is an entry in ClinVar:

ClinVar aggregate classification (germline): Likely benign (0 of 4 stars; one submission).

Conditions:
PLXNA3-related disorder. Also called: PLXNA3-related condition.

Allele frequency attached by ClinVar (database versions not stated): ExAC 0.00017; ESP Exome Variant Server 0.00019; gnomAD 0.00027; TOPMed 0.00034.
gnomAD v4.1: 518 of 1,205,097 alleles (0.043%); highest among the groups gnomAD compares: Admixed American, 0.055%; 1 homozygote.

Submission:

PreventionGenetics, part of Exact Sciences
Classification: Likely benign for PLXNA3-related condition. Last evaluated: 2021-08-25. Review status: no assertion criteria provided. Collection method: clinical testing. Allele origin: germline.
Comment: This variant is classified as likely benign based on ACMG/AMP sequence variant interpretation guidelines (Richards et al. 2015 PMID: 25741868, with internal and published modifications).

NM_017514.5(PLXNA3):c.213C>T (p.Val71=)

Gene: PLXNA3 (plexin A3; plus strand). Cytogenetic location: Xq28.
Variant type: single nucleotide variant.
Coding change: c.213C>T on transcript NM_017514.5 (MANE Select); coding-DNA position 213, C replaced by T.
Protein change: p.Val71=; no amino-acid change (valine 71 retained).
Molecular consequence: synonymous variant.
Genome position (GRCh38, 1-based): chrX:154,460,396, C>T. VCF-style: chrX-154460396-C-T. GRCh37 (hg19) VCF-style: chrX-153688736-C-T.
Identifiers: ClinVar variation 3037082 (VCV003037082.2), dbSNP rs138811959, ClinGen allele CA10563626.